The following is an entry in ClinVar:

ClinVar aggregate classification (germline): Uncertain significance (0 of 4 stars; one submission).

Conditions:
SEMA3C-related disorder. Also called: SEMA3C-related condition.

gnomAD v4.1: 21 of 1,613,884 alleles (0.0013%); highest among the groups gnomAD compares: East Asian, 0.0045%; no homozygotes.

Submission:

PreventionGenetics, part of Exact Sciences
Classification: Uncertain significance for SEMA3C-related condition. Last evaluated: 2024-06-13. Review status: no assertion criteria provided. Collection method: clinical testing. Allele origin: germline.
Comment: The SEMA3C c.1244T>C variant is predicted to result in the amino acid substitution p.Val415Ala. To our knowledge, this variant has not been reported in the literature. This variant is reported in 0.0039% of alleles in individuals of European (Non-Finnish) descent in gnomAD. At this time, the clinical significance of this variant is uncertain due to the absence of conclusive functional and genetic evidence.

NM_006379.5(SEMA3C):c.1190T>C (p.Val397Ala)

Gene: SEMA3C (semaphorin 3C; minus strand). Cytogenetic location: 7q21.11.
Variant type: single nucleotide variant.
Coding change: c.1190T>C on transcript NM_006379.5 (MANE Select); coding-DNA position 1190, T replaced by C.
Protein change: p.Val397Ala; replaces valine 397 with alanine.
Molecular consequence: missense variant.
Genome position (GRCh38, 1-based): chr7:80,789,470, A>G on the plus strand (T>C on the coding strand, the complement: SEMA3C is on the minus strand). VCF-style: chr7-80789470-A-G. GRCh37 (hg19) VCF-style: chr7-80418786-A-G.
Other names: c.1244T>C, p.Val415Ala (NM_001350120.2); c.1016T>C, p.Val339Ala (NM_001350121.2); short protein forms V339A, V397A, V415A.
Identifiers: ClinVar variation 3357057 (VCV003357057.1).
Genomic context (GRCh38, chr7:80,789,470, plus strand): 5'-CTTTTGTGGATTGGGTAGATGGAATTGTACATGAGAGGATGGTTCCGAATAAAAGTGACA[A>G]CATCATCTGGGAACTCCTTGGTGGTTCGCATATTGGGTGTAAATGCTCCTCCTGGACACT-3'
Protein context (NP_006370.1, residues 387-407): MRTTKEFPDD[Val397Ala]VTFIRNHPLM